The following is an entry in ClinVar:

NM_007294.4(BRCA1):c.2617dup (p.Ser873fs)

Gene: BRCA1 (BRCA1 DNA repair associated; minus strand). Cytogenetic location: 17q21.31.
Variant type: Duplication.
Coding change: c.2617dup on transcript NM_007294.4 (MANE Select); coding-DNA position 2617, one base duplicated (T; older notation c.2617dupT).
Protein change: p.Ser873fs; shifts the reading frame from serine 873.
Molecular consequence: frameshift variant. On other transcripts: intron variant (137).
Genome position (GRCh38, 1-based): chr17:43,092,914, A duplicated on the plus strand (T on the coding strand, the reverse complement: BRCA1 is on the minus strand); the first of 4 consecutive A bases (chr17:43,092,914-43,092,917); duplicating any one gives the same sequence. VCF-style (leftmost placement, unchanged base first): chr17-43092913-G-GA. GRCh37 (hg19) VCF-style: chr17-41244930-G-GA.
Other names: 2735insT; c.2617dupT (NM_007294.3); c.2494dup, p.Ser832fs (NM_001407676.1, NM_001407677.1, NM_001407678.1 and 19 more transcripts); c.2617dup, p.Ser873fs (NM_001407684.1, NM_001407854.1, NM_001407858.1 and 30 more transcripts); c.2491dup, p.Ser831fs (NM_001407685.1, NM_001407686.1, NM_001407687.1 and 11 more transcripts); c.2476dup, p.Ser826fs (NM_001407692.1, NM_001407694.1, NM_001407695.1 and 29 more transcripts); c.2473dup, p.Ser825fs (NM_001407740.1, NM_001407741.1, NM_001407742.1 and 20 more transcripts); c.2404dup, p.Ser802fs (NM_001407853.1, NM_001407894.1, NM_001407895.1 and 9 more transcripts); and 43 more; short protein forms S873fs, S826fs, S577fs, S705fs, S784fs, S785fs, S806fs, S832fs.
Identifiers: ClinVar variation 54622 (VCV000054622.5), dbSNP rs80357912, ClinGen allele CA001723.

ClinVar aggregate classification (germline): Pathogenic. Review status: reviewed by expert panel (3 of 4 stars). 5 submissions from 5 submitters: Pathogenic (1). 4 of the submissions do not count toward it. Last evaluated 2016-09-08.

Conditions:
Ovarian cancer. Also called: OVARIAN CANCER, SOMATIC. Identifiers: Orphanet 213500, MedGen C1140680, MONDO:0008170, OMIM 167000.
Hereditary breast ovarian cancer syndrome. Also called: Hereditary breast and ovarian cancer syndrome (HBOC); Hereditary breast and ovarian cancer syndrome; Hereditary breast and ovarian cancer; Hereditary breast and/or ovarian cancer syndrome; Breast and ovarian cancer; BRCA1- and BRCA2-Associated Hereditary Breast and Ovarian Cancer. Identifiers: Orphanet 145, MedGen C0677776, MeSH D061325, MONDO:0003582. Disease mechanism: loss of function.
Breast-ovarian cancer, familial, susceptibility to, 1 (BROVCA1). Also called: OVARIAN CANCER, SUSCEPTIBILITY TO; BRCA1 Hereditary Breast and Ovarian Cancer. Identifiers: Orphanet 145, MedGen C2676676, MONDO:0011450, OMIM 604370. Disease mechanism: loss of function.

Submissions (5):

Evidence-based Network for the Interpretation of Germline Mutant Alleles (ENIGMA)
Classification: Pathogenic for Breast-ovarian cancer, familial, susceptibility to, 1. Last evaluated: 2016-09-08. Review status: reviewed by expert panel. Criteria: ENIGMA BRCA1/2 Classification Criteria (2015). Collection method: curation. Allele origin: germline.
Comment: Variant allele predicted to encode a truncated non-functional protein.

3DMed Clinical Laboratory Inc
Classification: Pathogenic for Ovarian cancer. Last evaluated: 2017-03-07. Review status: criteria provided, single submitter. Criteria: ACMG Guidelines, 2015. Collection method: clinical testing. Allele origin: germline. Affected: yes. Not counted in ClinVar's aggregate classification.

Consortium of Investigators of Modifiers of BRCA1/2 (CIMBA), c/o University of Cambridge
Classification: Pathogenic for Breast-ovarian cancer, familial, susceptibility to, 1. Last evaluated: 2015-10-02. Review status: criteria provided, single submitter. Criteria: CIMBA Mutation Classification guidelines May 2016. Collection method: clinical testing. Allele origin: germline. Not counted in ClinVar's aggregate classification.

Research Molecular Genetics Laboratory, Women's College Hospital, University of Toronto
Classification: Pathogenic for Hereditary breast ovarian cancer syndrome. Last evaluated: 2014-01-31. Review status: no assertion criteria provided. Collection method: research. Allele origin: germline. Affected: yes. Study: The Canadian Open Genetics Repository (COGR). Not counted in ClinVar's aggregate classification.

Breast Cancer Information Core (BIC) (BRCA1)
Classification: Pathogenic for Breast-ovarian cancer, familial 1. Last evaluated: 2002-05-29. Review status: no assertion criteria provided. Collection method: clinical testing. Allele origin: germline. Affected: yes. Observed: 1 variant allele. Not counted in ClinVar's aggregate classification.

Literature cited by the submitters: PubMed 15145354 (cited by 3DMed Clinical Laboratory Inc).